The following is an entry in ClinVar:

ClinVar aggregate classification (germline): Pathogenic (1 of 4 stars; one submission).

Conditions:
Familial cancer of breast. Also called: Hereditary breast cancer; hereditary breast carcinoma; BREAST CANCER, FAMILIAL. Identifiers: Orphanet 227535, MedGen C0346153, MONDO:0016419, OMIM 114480. Disease mechanism: loss of function.

Submission:

Labcorp Genetics (formerly Invitae), Labcorp
Classification: Pathogenic for Hereditary Breast Carcinoma. Last evaluated: 2019-12-19. Review status: criteria provided, single submitter. Criteria: Invitae Variant Classification Sherloc (09022015). Collection method: clinical testing. Allele origin: germline.
Comment: This sequence change inserts a large fragment of DNA, likely a transposable element, in exon 9 of the CHEK2 gene (c.985_986insAlu), causing a frameshift at codon 329 (p.Tyr329fs). The exact size and sequence of the insertion cannot be determined by the current assay. However, the insertion is expected to result in an absent or disrupted protein product. This variant has not been reported in the literature in individuals with CHEK2-related conditions. Retrotransposon insertions including LINE1 (L1), Alu, and SVA (SINE-VNTR-Alu) have been reported to be disease-causing through disruption of either a coding region or splice site (PMID: 19763152, 20307669, 22406018) and loss-of-function variants in CHEK2 are known to be pathogenic (PMID: 21876083, 24713400). For these reasons, this variant has been classified as Pathogenic.

Literature cited by the submitters: PubMed 20307669; PubMed 24713400; PubMed 22406018; PubMed 21876083; PubMed 19763152.

NM_007194.3:c.985_986insAlu

Gene: CHEK2 (checkpoint kinase 2; minus strand). Cytogenetic location: 22q12.1.
Variant type: Insertion.
Identifiers: ClinVar variation 870293 (VCV000870293.2).